The following is an entry in ClinVar:

NM_004168.4(SDHA):c.228T>G (p.Ala76=)

Gene: SDHA (succinate dehydrogenase complex flavoprotein subunit A; plus strand). Cytogenetic location: 5p15.33.
Variant type: single nucleotide variant.
Coding change: c.228T>G on transcript NM_004168.4 (MANE Select); coding-DNA position 228, T replaced by G.
Protein change: p.Ala76=; no amino-acid change (alanine 76 retained).
Molecular consequence: synonymous variant.
Genome position (GRCh38, 1-based): chr5:224,437, T>G. VCF-style: chr5-224437-T-G. GRCh37 (hg19) VCF-style: chr5-224552-T-G.
Other names: c.228T>G, p.Ala76= (NM_001294332.2, NM_001330758.2).
Identifiers: ClinVar variation 1101077 (VCV001101077.12), dbSNP rs1416043203, ClinGen allele CA442690880.

ClinVar aggregate classification (germline): Benign/Likely benign. Review status: criteria provided, multiple submitters, no conflicts (2 of 4 stars). 3 submissions from 3 submitters: Benign (1); Likely benign (2). Last evaluated 2025-08-10.

Conditions:
Pheochromocytoma/paraganglioma syndrome 5. Also called: Paragangliomas 5; SDHA-Related Hereditary Paraganglioma-Pheochromocytoma Syndrome. Identifiers: Orphanet 29072, MedGen C3279992, MONDO:0013602, OMIM 614165.
Mitochondrial complex II deficiency, nuclear type 1. Also called: SUCCINATE CoQ REDUCTASE DEFICIENCY. Identifiers: Orphanet 3208, MedGen C5700310, MONDO:0100294, OMIM 252011.
Hereditary cancer-predisposing syndrome. Also called: Tumor predisposition; Neoplastic Syndromes, Hereditary; Hereditary Cancer Syndrome; Hereditary neoplastic syndrome. Identifiers: Orphanet 140162, MedGen C0027672, MeSH D009386, MONDO:0015356.

Allele frequency attached by ClinVar (database versions not stated): gnomAD 0.00001; gnomAD exomes 0.00001; TOPMed 0.00001.
gnomAD v4.1: 14 of 1,613,620 alleles (0.00087%); highest among the groups gnomAD compares: Non-Finnish European, 0.0012%; no homozygotes.

Submissions (3):

Labcorp Genetics (formerly Invitae), Labcorp
Classification: Likely benign for Pheochromocytoma/paraganglioma syndrome 5; Mitochondrial complex II deficiency, nuclear type 1. Last evaluated: 2025-08-10. Review status: criteria provided, single submitter. Criteria: Invitae Variant Classification Sherloc (09022015). Collection method: clinical testing. Allele origin: germline.

Myriad Genetics, Inc.
Classification: Benign for Pheochromocytoma/paraganglioma syndrome 5. Last evaluated: 2025-02-28. Review status: criteria provided, single submitter. Criteria: Myriad Autosomal Dominant, Autosomal Recessive and X-Linked Classification Criteria (2023). Collection method: clinical testing. Allele origin: unknown.
Comment: This variant is considered benign. This variant is a silent/synonymous amino acid change and it is not expected to impact splicing.

Ambry Genetics
Classification: Likely benign for Hereditary cancer-predisposing syndrome. Last evaluated: 2021-10-17. Review status: criteria provided, single submitter. Criteria: Ambry Variant Classification Scheme 2023. Collection method: clinical testing. Allele origin: germline.